The following is an entry in ClinVar:

ClinVar aggregate classification (germline): Uncertain significance. Review status: criteria provided, multiple submitters, no conflicts (2 of 4 stars). 2 submissions from 2 submitters: Uncertain significance (2). Last evaluated 2025-10-24.

Conditions:
Inborn genetic diseases. Identifiers: MedGen C0950123, MeSH D030342.

Submissions (2):

Ambry Genetics
Classification: Uncertain significance for Inborn genetic diseases. Last evaluated: 2025-10-24. Review status: criteria provided, single submitter. Criteria: Ambry Variant Classification Scheme 2023. Collection method: clinical testing. Allele origin: germline.

GeneDx
Classification: Uncertain significance. Last evaluated: 2025-01-16. Review status: criteria provided, single submitter. Criteria: GeneDx Variant Classification Process June 2021. Collection method: clinical testing. Allele origin: germline. Affected: yes.
Comment: In silico analysis supports that this missense variant has a deleterious effect on protein structure/function; Has not been previously published as pathogenic or benign to our knowledge; This variant is associated with the following publications: (PMID: 22508754)

NM_007254.4(PNKP):c.1094C>T (p.Pro365Leu)

Gene: PNKP (polynucleotide kinase 3'-phosphatase; minus strand). Cytogenetic location: 19q13.33.
Variant type: single nucleotide variant.
Coding change: c.1094C>T on transcript NM_007254.4 (MANE Select); coding-DNA position 1094, C replaced by T.
Protein change: p.Pro365Leu; replaces proline 365 with leucine.
Molecular consequence: missense variant.
Genome position (GRCh38, 1-based): chr19:49,862,217, G>A on the plus strand (C>T on the coding strand, the complement: PNKP is on the minus strand). VCF-style: chr19-49862217-G-A. GRCh37 (hg19) VCF-style: chr19-50365474-G-A.
Other names: c.1094C>T (NM_007254.3); short protein forms P365L.
Identifiers: ClinVar variation 4070845 (VCV004070845.2).